The following is an entry in ClinVar:

NM_005911.6(MAT2A):c.1086-3C>T

Genes: GGCX (gamma-glutamyl carboxylase; minus strand), MAT2A (methionine adenosyltransferase 2A; plus strand). Cytogenetic location: 2p11.2.
Variant type: single nucleotide variant.
Coding change: c.1086-3C>T on transcript NM_005911.6 (MANE Select); 3 bases into the intron before coding-DNA position 1086, C replaced by T.
Molecular consequence: intron variant.
Genome position (GRCh38, 1-based): chr2:85,543,667, C>T. VCF-style: chr2-85543667-C-T. GRCh37 (hg19) VCF-style: chr2-85770790-C-T.
Identifiers: ClinVar variation 4052031 (VCV004052031.1).
Genomic context (GRCh38, chr2:85,543,667, plus strand): 5'-CTGATTGTTTTGCTTTATTTTAATTTAATGCTACATATTAAGTTACGGACTTGTATATTC[C>T]AGGGATCTGGATCTGAAGAAGCCAATTTATCAGAGGACTGCAGCCTATGGCCACTTTGGT-3'

ClinVar aggregate classification (germline): Uncertain significance (1 of 4 stars; one submission).

Conditions:
Cardiovascular phenotype. Identifiers: MedGen CN230736.

Submission:

Ambry Genetics
Classification: Uncertain significance for Cardiovascular phenotype. Last evaluated: 2025-04-23. Review status: criteria provided, single submitter. Criteria: Ambry Variant Classification Scheme 2023. Collection method: clinical testing. Allele origin: germline.
Comment: The c.1086-3C>T intronic variant results from a C to T substitution 3 nucleotides upstream from coding exon 9 in the MAT2A gene. This nucleotide position is highly conserved in available vertebrate species. In silico splice site analysis predicts that this alteration will not have any significant effect on splicing. The evidence for this gene-disease relationship is limited; therefore, the clinical significance of this alteration is unclear.